The following is an entry in ClinVar:

ClinVar aggregate classification (germline): Uncertain significance (1 of 4 stars; one submission).

Allele frequency attached by ClinVar (database versions not stated): ExAC 0.00023; gnomAD 0.00033; TOPMed 0.00038; ESP Exome Variant Server 0.00054; gnomAD exomes 0.00081.
gnomAD v4.1: 1,224 of 1,613,948 alleles (0.076%); highest among the groups gnomAD compares: Non-Finnish European, 0.098%; no homozygotes.

Submissions (3):

Labcorp Genetics (formerly Invitae), Labcorp
Classification: Uncertain significance. Last evaluated: 2022-08-31. Review status: criteria provided, single submitter. Criteria: Invitae Variant Classification Sherloc (09022015). Collection method: clinical testing. Allele origin: germline.
Comment: This sequence change replaces glycine, which is neutral and non-polar, with arginine, which is basic and polar, at codon 700 of the COL27A1 protein (p.Gly700Arg). This variant is present in population databases (rs201221528, gnomAD 0.05%). This variant has not been reported in the literature in individuals affected with COL27A1-related conditions. Advanced modeling of protein sequence and biophysical properties (such as structural, functional, and spatial information, amino acid conservation, physicochemical variation, residue mobility, and thermodynamic stability) performed at Invitae indicates that this missense variant is expected to disrupt COL27A1 protein function. Algorithms developed to predict the effect of sequence changes on RNA splicing suggest that this variant may create or strengthen a splice site. In summary, the available evidence is currently insufficient to determine the role of this variant in disease. Therefore, it has been classified as a Variant of Uncertain Significance.

Dr. Peter K. Rogan Lab, Western University
No classification provided (evidence only). Condition: Melanoma. Review status: no classification provided. Collection method: in vitro. Allele origin: not applicable. Functional consequence: retained intron. Not counted in ClinVar's aggregate classification.

Dr. Peter K. Rogan Lab, Western University
No classification provided (evidence only). Condition: Adrenocortical carcinoma, hereditary. Review status: no classification provided. Collection method: in vitro. Allele origin: not applicable. Functional consequence: retained intron. Not counted in ClinVar's aggregate classification.

NM_032888.4(COL27A1):c.2098G>A (p.Gly700Arg)

Gene: COL27A1 (collagen type XXVII alpha 1 chain; plus strand). Cytogenetic location: 9q32.
Variant type: single nucleotide variant.
Coding change: c.2098G>A on transcript NM_032888.4 (MANE Select); coding-DNA position 2098, G replaced by A.
Protein change: p.Gly700Arg; replaces glycine 700 with arginine.
Molecular consequence: missense variant.
Genome position (GRCh38, 1-based): chr9:114,195,986, G>A. VCF-style: chr9-114195986-G-A. GRCh37 (hg19) VCF-style: chr9-116958266-G-A.
Other names: short protein forms G700R.
Identifiers: ClinVar variation 2059882 (VCV002059882.2), dbSNP rs201221528, ClinGen allele CA5201608.
Genomic context (GRCh38, chr9:114,195,986, plus strand): 5'-TCCTGCCTCACCCACCTTGTCTGTGTCTTCCAGGGTGACATGGGCTTGCCTGGGCTCTCC[G>A]GGAATCCAGGACCTCCGGGACGAAAGGTACTGTTTGGTTTTGATGCTTTGCCTTGCGCAG-3'
Protein context (NP_116277.2, residues 690-710): KGDMGLPGLS[Gly700Arg]NPGPPGRKGH